The following is an entry in ClinVar:

ClinVar aggregate classification (germline): Likely benign. Review status: criteria provided, multiple submitters, no conflicts (2 of 4 stars). 3 submissions from 3 submitters: Likely benign (3). Last evaluated 2026-03-13.

Conditions:
Charcot-Marie-Tooth disease type 4. Also called: Charcot-Marie-Tooth disease, type IV; Charcot-Marie-Tooth, Type 4. Identifiers: Orphanet 64749, MedGen C4082197, MONDO:0018995.
Inborn genetic diseases. Identifiers: MedGen C0950123, MeSH D030342.
PRX-related disorder. Also called: PRX-Related Disorders; PRX-related condition.

Allele frequency attached by ClinVar (database versions not stated): gnomAD 0.00001; TOPMed 0.00009; ExAC 0.00021; gnomAD exomes 0.00024.
gnomAD v4.1: 63 of 1,608,398 alleles (0.0039%); highest among the groups gnomAD compares: Admixed American, 0.1%; no homozygotes.

Submissions (3):

PreventionGenetics, part of Exact Sciences
Classification: Likely benign for PRX-related condition. Last evaluated: 2026-03-13. Review status: criteria provided, single submitter. Criteria: ACMG Guidelines, 2015. Collection method: clinical testing. Allele origin: germline.
Comment: This variant is classified as likely benign based on ACMG/AMP sequence variant interpretation guidelines (Richards et al. 2015 PMID: 25741868, with internal and published modifications).

Labcorp Genetics (formerly Invitae), Labcorp
Classification: Likely benign for Charcot-Marie-Tooth disease type 4. Last evaluated: 2025-08-15. Review status: criteria provided, single submitter. Criteria: Invitae Variant Classification Sherloc (09022015). Collection method: clinical testing. Allele origin: germline.

Ambry Genetics
Classification: Likely benign for Inborn genetic diseases. Last evaluated: 2019-07-11. Review status: criteria provided, single submitter. Criteria: Ambry Variant Classification Scheme 2023. Collection method: clinical testing. Allele origin: germline.

NM_181882.3(PRX):c.3375C>T (p.Gly1125=)

Gene: PRX (periaxin; minus strand). Cytogenetic location: 19q13.2.
Variant type: single nucleotide variant.
Coding change: c.3375C>T on transcript NM_181882.3 (MANE Select); coding-DNA position 3375, C replaced by T.
Protein change: p.Gly1125=; no amino-acid change (glycine 1125 retained).
Molecular consequence: synonymous variant. On other transcripts: 3 prime UTR variant (1).
Genome position (GRCh38, 1-based): chr19:40,394,977, G>A on the plus strand (C>T on the coding strand, the complement: PRX is on the minus strand). VCF-style: chr19-40394977-G-A. GRCh37 (hg19) VCF-style: chr19-40900884-G-A.
Other names: c.*3580C>T (NM_020956.2).
Identifiers: ClinVar variation 543454 (VCV000543454.13), dbSNP rs755560307, ClinGen allele CA9443871.